The following is an entry in ClinVar:

NM_020297.4(ABCC9):c.1849G>A (p.Asp617Asn)

Gene: ABCC9 (ATP binding cassette subfamily C member 9; minus strand). Cytogenetic location: 12p12.1.
Variant type: single nucleotide variant.
Coding change: c.1849G>A on transcript NM_020297.4 (MANE Select); coding-DNA position 1849, G replaced by A.
Protein change: p.Asp617Asn; replaces aspartic acid 617 with asparagine.
Molecular consequence: missense variant.
Genome position (GRCh38, 1-based): chr12:21,887,888, C>T on the plus strand (G>A on the coding strand, the complement: ABCC9 is on the minus strand). VCF-style: chr12-21887888-C-T. GRCh37 (hg19) VCF-style: chr12-22040822-C-T.
Other names: p.D617N:GAC>AAC; c.1849G>A (NM_020297.3); c.1849G>A, p.Asp617Asn (NM_001377273.1, NM_005691.4); c.985G>A, p.Asp329Asn (NM_001377274.1); short protein forms D617N, D329N.
Identifiers: ClinVar variation 201615 (VCV000201615.19), dbSNP rs757681761, ClinGen allele CA308180.

ClinVar aggregate classification (germline): Uncertain significance. Review status: criteria provided, multiple submitters, no conflicts (2 of 4 stars). 5 submissions from 5 submitters: Uncertain significance (4). 1 of the submissions does not count toward it. Last evaluated 2026-02-01.

Conditions:
Cardiovascular phenotype. Identifiers: MedGen CN230736.
Intellectual disability and myopathy syndrome (IDMYS). Identifiers: MedGen C5676904, MONDO:0859224, OMIM 619719.
Dilated cardiomyopathy 1O (CMD1O). Also called: CARDIOMYOPATHY, DILATED, WITH VENTRICULAR TACHYCARDIA. Identifiers: Orphanet 154, MedGen C1837839, MONDO:0012062, OMIM 608569.
Hypertrichotic osteochondrodysplasia Cantu type. Also called: Cantu Syndrome; Cantú Syndrome. Identifiers: Orphanet 1517, MedGen C0795905, MONDO:0009406, OMIM 239850.
Atrial fibrillation, familial, 12 (ATFB12). Identifiers: MedGen C3279695, MONDO:0013545, OMIM 614050.
ABCC9-related disorder. Also called: ABCC9-related condition; ABCC9-related disorders.

Allele frequency attached by ClinVar (database versions not stated): ExAC 0.00002; gnomAD 0.00003 and 0.00004; TOPMed 0.00003; gnomAD exomes 0.00004.
gnomAD v4.1: 60 of 1,613,338 alleles (0.0037%); highest among the groups gnomAD compares: Non-Finnish European, 0.0045%; no homozygotes.

Submissions (5):

Labcorp Genetics (formerly Invitae), Labcorp
Classification: Uncertain significance for Dilated cardiomyopathy 1O. Last evaluated: 2026-02-01. Review status: criteria provided, single submitter. Criteria: Invitae Variant Classification Sherloc (09022015). Collection method: clinical testing. Allele origin: germline.
Comment: This sequence change replaces aspartic acid, which is acidic and polar, with asparagine, which is neutral and polar, at codon 617 of the ABCC9 protein (p.Asp617Asn). This variant is present in population databases (rs757681761, gnomAD 0.008%). This missense change has been observed in individual(s) with sudden unexplained death (PMID: 29016939). ClinVar contains an entry for this variant (Variation ID: 201615). Invitae Evidence Modeling of protein sequence and biophysical properties (such as structural, functional, and spatial information, amino acid conservation, physicochemical variation, residue mobility, and thermodynamic stability) has been performed for this missense variant. However, the output from this modeling did not meet the statistical confidence thresholds required to predict the impact of this variant on ABCC9 protein function. In summary, the available evidence is currently insufficient to determine the role of this variant in disease. Therefore, it has been classified as a Variant of Uncertain Significance.

Ambry Genetics
Classification: Uncertain significance for Cardiovascular phenotype. Last evaluated: 2025-03-21. Review status: criteria provided, single submitter. Criteria: Ambry Variant Classification Scheme 2023. Collection method: clinical testing. Allele origin: germline.
Comment: The p.D617N variant (also known as c.1849G>A), located in coding exon 13 of the ABCC9 gene, results from a G to A substitution at nucleotide position 1849. The aspartic acid at codon 617 is replaced by asparagine, an amino acid with highly similar properties. This amino acid position is highly conserved in available vertebrate species. In addition, this alteration is predicted to be tolerated by in silico analysis. Based on data from gnomAD, the frequency for this variant is above the maximum credible frequency for a Cant&uacute; syndrome-causing variant in this gene based on internally established thresholds (Karczewski et al. Nature. 2020 May;581(7809):434-443; Whiffin et al. Genet Med. 2017 10;19:1151-1158). Based on the available evidence, the clinical significance of this variant remains unclear for autosomal recessive ABCC9-related neurodevelopmental myopathy syndrome; however, it is unlikely to be causative of autosomal dominant ABCC9-related Cant&uacute; syndrome.

GeneDx
Classification: Uncertain significance. Last evaluated: 2022-09-19. Review status: criteria provided, single submitter. Criteria: GeneDx Variant Classification Process June 2021. Collection method: clinical testing. Allele origin: germline. Affected: yes.
Comment: Identified in a patient with DCM (Mazzarotto et al., 2020) and a patient who died of sudden unexplained death (SUD) who harbored an additional cardiogenetic variant (Hellenthal et al., 2017); In silico analysis supports that this missense variant does not alter protein structure/function; This variant is associated with the following publications: (PMID: 31983221, 29016939)

Fulgent Genetics
Classification: Uncertain significance for Hypertrichotic osteochondrodysplasia Cantu type; Dilated cardiomyopathy 1O; Atrial fibrillation, familial, 12; Intellectual disability and myopathy syndrome. Last evaluated: 2021-09-09. Review status: criteria provided, single submitter. Criteria: ACMG Guidelines, 2015. Collection method: clinical testing. Allele origin: unknown.

PreventionGenetics, part of Exact Sciences
Classification: Uncertain significance for ABCC9-related condition. Last evaluated: 2024-05-10. Review status: no assertion criteria provided. Collection method: clinical testing. Allele origin: germline. Not counted in ClinVar's aggregate classification.
Comment: The ABCC9 c.1849G>A variant is predicted to result in the amino acid substitution p.Asp617Asn. This variant was reported in an individual with dilated cardiomyopathy (Table S3, Mazzarotto et al. 2020. PubMed ID: 31983221). This variant was also documented in a case of sudden unexplained death; however, this reported individual also carried an additional variant in an arrhythmia-associated gene. The p.Asp617Asn variant was identified in two unaffected family members (case #6 in Table 2 and Supplementary material, Hellenthal et al. 2017. PubMed ID: 29016939). This variant is reported in 0.0085% of alleles in individuals of European (Non-Finnish) descent in gnomAD. At this time, the clinical significance of this variant is uncertain due to the absence of conclusive functional and genetic evidence.

Literature cited by the submitters: PubMed 29016939 (cited by Labcorp Genetics (formerly Invitae), Labcorp).